The following is an entry in ClinVar:

ClinVar aggregate classification (germline): Uncertain significance (1 of 4 stars; one submission).

Conditions:
Inborn genetic diseases. Identifiers: MedGen C0950123, MeSH D030342.

Submission:

Ambry Genetics
Classification: Uncertain significance for Inborn genetic diseases. Last evaluated: 2025-04-12. Review status: criteria provided, single submitter. Criteria: Ambry Variant Classification Scheme 2023. Collection method: clinical testing. Allele origin: germline.
Comment: The p.G293V variant (also known as c.878G>T), located in coding exon 9 of the RTEL1 gene, results from a G to T substitution at nucleotide position 878. The glycine at codon 293 is replaced by valine, an amino acid with dissimilar properties. This amino acid position is conserved. In addition, this alteration is predicted to be tolerated by in silico analysis. Based on the available evidence, the clinical significance of this variant remains unclear.

NM_001283009.2(RTEL1):c.878G>T (p.Gly293Val)

Genes: RTEL1 (regulator of telomere elongation helicase 1; plus strand), RTEL1-TNFRSF6B (RTEL1-TNFRSF6B readthrough (NMD candidate); plus strand). Cytogenetic location: 20q13.33.
Variant type: single nucleotide variant.
Coding change: c.878G>T on transcript NM_001283009.2 (MANE Select); coding-DNA position 878, G replaced by T.
Protein change: p.Gly293Val; replaces glycine 293 with valine.
Molecular consequence: missense variant. On other transcripts: non-coding transcript variant (1).
Genome position (GRCh38, 1-based): chr20:63,674,052, G>T. VCF-style: chr20-63674052-G-T. GRCh37 (hg19) VCF-style: chr20-62305405-G-T.
Other names: c.209G>T, p.Gly70Val (NM_001283010.1); c.878G>T, p.Gly293Val (NM_016434.4); c.950G>T, p.Gly317Val (NM_032957.5); short protein forms G293V, G70V, G317V.
Identifiers: ClinVar variation 3948321 (VCV003948321.1).